The following is an entry in ClinVar:

ClinVar aggregate classification (germline): Likely pathogenic (1 of 4 stars; one submission).

Conditions:
Ataxia - intellectual disability - oculomotor apraxia - cerebellar cysts syndrome. Also called: Poretti-Boltshauser syndrome. Identifiers: Orphanet 370022, MedGen C4014821, MONDO:0014419, OMIM 615960.

Submission:

First Genomix Gene Laboratory, Genetic Diagnostics Department
Classification: Likely pathogenic for Ataxia - intellectual disability - oculomotor apraxia - cerebellar cysts syndrome. Last evaluated: 2025-08-01. Review status: criteria provided, single submitter. Criteria: ACMG Guidelines, 2015. Collection method: clinical testing. Allele origin: germline. Inheritance: Autosomal recessive inheritance. Affected: no. Observed: 1 variant allele.

NM_005559.4(LAMA1):c.1634dup (p.Leu546fs)

Gene: LAMA1 (laminin subunit alpha 1; minus strand). Cytogenetic location: 18p11.31.
Variant type: Duplication.
Coding change: c.1634dup on transcript NM_005559.4 (MANE Select); coding-DNA position 1634, one base duplicated (C; older notation c.1634dupC).
Protein change: p.Leu546fs; shifts the reading frame from leucine 546.
Molecular consequence: frameshift variant.
Genome position (GRCh38, 1-based): chr18:7,037,681, G duplicated on the plus strand (C on the coding strand, the reverse complement: LAMA1 is on the minus strand). VCF-style (leftmost placement, unchanged base first): chr18-7037680-T-TG. GRCh37 (hg19) VCF-style: chr18-7037679-T-TG.
Other names: c.1634dupC (NM_005559.4); short protein forms L546fs.
Identifiers: ClinVar variation 4850654 (VCV004850654.1).